The following is an entry in ClinVar:

NM_014714.4(IFT140):c.3682T>C (p.Ser1228Pro)

Gene: IFT140 (intraflagellar transport 140; minus strand). Cytogenetic location: 16p13.3.
Variant type: single nucleotide variant.
Coding change: c.3682T>C on transcript NM_014714.4 (MANE Select); coding-DNA position 3682, T replaced by C.
Protein change: p.Ser1228Pro; replaces serine 1228 with proline.
Molecular consequence: missense variant.
Genome position (GRCh38, 1-based): chr16:1,520,322, A>G on the plus strand (T>C on the coding strand, the complement: IFT140 is on the minus strand). VCF-style: chr16-1520322-A-G. GRCh37 (hg19) VCF-style: chr16-1570323-A-G.
Other names: short protein forms S1228P.
Identifiers: ClinVar variation 1475070 (VCV001475070.6), dbSNP rs991385327, ClinGen allele CA276675640.

ClinVar aggregate classification (germline): Uncertain significance (1 of 4 stars; one submission).

Conditions:
Saldino-Mainzer syndrome (SRTD9). Also called: Renal dysplasia, retinal pigmentary dystrophy, cerebellar ataxia and skeletal dysplasia; CONORENAL SYNDROME; SHORT-RIB THORACIC DYSPLASIA 9 WITHOUT POLYDACTYLY; short-rib thoracic dysplasia 9 with or without polydactyly. Identifiers: Orphanet 140969, MedGen C1849437, MONDO:0009964, OMIM 266920.

Submission:

Labcorp Genetics (formerly Invitae), Labcorp
Classification: Uncertain significance for Saldino-Mainzer syndrome. Last evaluated: 2021-10-27. Review status: criteria provided, single submitter. Criteria: Invitae Variant Classification Sherloc (09022015). Collection method: clinical testing. Allele origin: germline.
Comment: In summary, the available evidence is currently insufficient to determine the role of this variant in disease. Therefore, it has been classified as a Variant of Uncertain Significance. Algorithms developed to predict the effect of missense changes on protein structure and function are either unavailable or do not agree on the potential impact of this missense change (SIFT: "Deleterious"; PolyPhen-2: "Probably Damaging"; Align-GVGD: "Class C0"). This variant has not been reported in the literature in individuals affected with IFT140-related conditions. This variant is not present in population databases (gnomAD no frequency). This sequence change replaces serine, a(n) neutral and polar amino acid, with proline, a(n) neutral and non-polar amino acid, at codon 1228 of the IFT140 protein (p.Ser1228Pro).